The following is an entry in ClinVar:

NM_003738.5(PTCH2):c.2954A>G (p.Asn985Ser)

Gene: PTCH2 (patched 2; minus strand). Cytogenetic location: 1p34.1.
Variant type: single nucleotide variant.
Coding change: c.2954A>G on transcript NM_003738.5 (MANE Select); coding-DNA position 2954, A replaced by G.
Protein change: p.Asn985Ser; replaces asparagine 985 with serine.
Molecular consequence: missense variant.
Genome position (GRCh38, 1-based): chr1:44,826,510, T>C on the plus strand (A>G on the coding strand, the complement: PTCH2 is on the minus strand). VCF-style: chr1-44826510-T-C. GRCh37 (hg19) VCF-style: chr1-45292182-T-C.
Other names: c.2954A>G, p.Asn985Ser (NM_001166292.2); c.2954A>G (NM_003738.4); short protein forms N985S.
Identifiers: ClinVar variation 1050418 (VCV001050418.7), dbSNP rs752127255, ClinGen allele CA822849.

ClinVar aggregate classification (germline): Uncertain significance. Review status: criteria provided, multiple submitters, no conflicts (2 of 4 stars). 3 submissions from 3 submitters: Uncertain significance (2). 1 of the submissions does not count toward it. Last evaluated 2025-08-09.

Conditions:
Gorlin syndrome. Also called: Nevoid Basal Cell Carcinoma Syndrome; Basal cell nevus syndrome. Identifiers: Orphanet 377, MedGen C0004779, MONDO:0007187.

Allele frequency attached by ClinVar (database versions not stated): ExAC 0.00001; gnomAD exomes 0.00001; TOPMed 0.00001; gnomAD 0.00002 and 0.00003.
gnomAD v4.1: 19 of 1,613,084 alleles (0.0012%); highest among the groups gnomAD compares: Middle Eastern, 0.016%; no homozygotes.

Submissions (3):

Ambry Genetics
Classification: Uncertain significance. Last evaluated: 2025-08-09. Review status: criteria provided, single submitter. Criteria: Ambry Variant Classification Scheme 2023. Collection method: clinical testing. Allele origin: germline.

Labcorp Genetics (formerly Invitae), Labcorp
Classification: Uncertain significance for Gorlin syndrome. Last evaluated: 2024-02-16. Review status: criteria provided, single submitter. Criteria: Invitae Variant Classification Sherloc (09022015). Collection method: clinical testing. Allele origin: germline.
Comment: This sequence change replaces asparagine, which is neutral and polar, with serine, which is neutral and polar, at codon 985 of the PTCH2 protein (p.Asn985Ser). This variant is present in population databases (rs752127255, gnomAD 0.006%). This variant has not been reported in the literature in individuals affected with PTCH2-related conditions. ClinVar contains an entry for this variant (Variation ID: 1050418). Advanced modeling of protein sequence and biophysical properties (such as structural, functional, and spatial information, amino acid conservation, physicochemical variation, residue mobility, and thermodynamic stability) performed at Invitae indicates that this missense variant is not expected to disrupt PTCH2 protein function with a negative predictive value of 80%. In summary, the available evidence is currently insufficient to determine the role of this variant in disease. Therefore, it has been classified as a Variant of Uncertain Significance.

Department of Pathology and Laboratory Medicine, Sinai Health System
Classification: Uncertain significance. Review status: no assertion criteria provided. Collection method: clinical testing. Allele origin: unknown. Affected: yes. Study: The Canadian Open Genetics Repository (COGR). Not counted in ClinVar's aggregate classification.
Comment: The PTCH2 p.Asn985Ser variant was not identified in the literature nor was it identified in ClinVar. The variant was identified in dbSNP (ID: rs752127255) and in control databases in 3 of 235678 chromosomes at a frequency of 0.00001273 (Genome Aggregation Database March 6, 2019, v2.1.1, non-cancer). The variant was observed in the following populations: South Asian in 2 of 30524 chromosomes (freq: 0.000066) and European (non-Finnish) in 1 of 101716 chromosomes (freq: 0.00001), but was not observed in the African, Latino, Ashkenazi Jewish, East Asian, European (Finnish), or Other populations. The p.Asn985 residue is not conserved in mammals and four out of five computational analyses (PolyPhen-2, SIFT, AlignGVGD, BLOSUM, MutationTaster) do not suggest a high likelihood of impact to the protein; however, this information is not predictive enough to rule out pathogenicity. The variant occurs outside of the splicing consensus sequence and 4 of 4 in silico or computational prediction software programs (SpliceSiteFinder, MaxEntScan, NNSPLICE, GeneSplicer) predict a greater than 10% difference in splicing. However, this has not been confirmed by RNA analysis and is not predictive enough to assume pathogenicity. In summary, based on the above information the clinical significance of this variant cannot be determined with certainty at this time. This variant is classified as a variant of uncertain significance.